The following is an entry in ClinVar:

ClinVar aggregate classification (germline): Pathogenic. Review status: criteria provided, multiple submitters, no conflicts (2 of 4 stars). 5 submissions from 5 submitters: Pathogenic (4). 1 of the submissions does not count toward it. Last evaluated 2025-07-10.

Conditions:
Tuberous sclerosis syndrome (TSC). Also called: Tuberous Sclerosis Complex; Tuberous sclerosis. Identifiers: Orphanet 805, MedGen C0041341, MONDO:0001734.
Tuberous sclerosis 2 (TSC2). Identifiers: Orphanet 805, MedGen C1860707, MONDO:0013199, OMIM 613254.

Submissions (5):

GeneDx
Classification: Pathogenic. Last evaluated: 2025-07-10. Review status: criteria provided, single submitter. Criteria: GeneDx Variant Classification Process June 2021. Collection method: clinical testing. Allele origin: germline. Affected: yes.
Comment: Nonsense variant predicted to result in protein truncation or nonsense mediated decay in a gene for which loss of function is a known mechanism of disease; Not observed at significant frequency in large population cohorts (gnomAD); This variant is associated with the following publications: (PMID: 25525159, 37679051, 29642139, 21418539)

Department of Molecular Genetics, Istishari Arab Hospital
Classification: Pathogenic for Tuberous sclerosis 2. Last evaluated: 2025-07-06. Review status: criteria provided, single submitter. Criteria: ACMG Guidelines, 2015. Collection method: clinical testing. Allele origin: germline. Inheritance: Autosomal dominant inheritance. Affected: yes.
Comment: The TSC2 variant c.4813C>T, p.Gln1605*creates a premature stop codon at position 1605. This variant has previously been described as disease causing for Tuberous Sclerosis (PMID: 29642139, 21418539, 17304050, 10205261). It is classified as pathogenic according to the recommendations of ACMG/AMP/ClinGen SVI guidelines.

Labcorp Genetics (formerly Invitae), Labcorp
Classification: Pathogenic for Tuberous sclerosis 2. Last evaluated: 2025-03-09. Review status: criteria provided, single submitter. Criteria: Invitae Variant Classification Sherloc (09022015). Collection method: clinical testing. Allele origin: germline.
Comment: This sequence change creates a premature translational stop signal (p.Gln1605*) in the TSC2 gene. It is expected to result in an absent or disrupted protein product. Loss-of-function variants in TSC2 are known to be pathogenic (PMID: 10205261, 17304050). This variant is not present in population databases (gnomAD no frequency). This premature translational stop signal has been observed in individuals with cardiac rhabdomyomas (PMID: 21418539, 29642139). ClinVar contains an entry for this variant (Variation ID: 64857). For these reasons, this variant has been classified as Pathogenic.

Oasi Research Institute-IRCCS
Classification: Pathogenic for Tuberous sclerosis 2. Review status: criteria provided, single submitter. Criteria: ACMG Guidelines, 2015. Collection method: research. Allele origin: de novo. Affected: yes.
Comment: This variant creates a premature translational stop signal. It is expected to result in an protein truncation or nonsense mediated decay. Diverse tools classified the variant as pathogenic: BayesDel addAF; BayesDel noAF; EIGEN; FATHMM-XF; MutationTaster. ACMG criteria: PVS1 (LOF), PP4 (phenotype match), PM2 (absent from control), PP3 (in silico evidence), PS2 (de novo)= Pathogenic. Based on the evidence outlined above, the variant was classified as Pathogenic.

Tuberous sclerosis database (TSC2)
No classification provided. Condition: TSC. Review status: no classification provided. Criteria: Tuberous Sclerosis Database Assertion Criteria 2015. Collection method: curation. Allele origin: germline. Affected: yes. Not counted in ClinVar's aggregate classification.

Literature cited by the submitters: PubMed 29642139 (cited by Department of Molecular Genetics, Istishari Arab Hospital and Labcorp Genetics (formerly Invitae), Labcorp); PubMed 21418539 (cited by Department of Molecular Genetics, Istishari Arab Hospital and Labcorp Genetics (formerly Invitae), Labcorp); PubMed 17304050 (cited by Department of Molecular Genetics, Istishari Arab Hospital and Labcorp Genetics (formerly Invitae), Labcorp); PubMed 10205261 (cited by Department of Molecular Genetics, Istishari Arab Hospital and Labcorp Genetics (formerly Invitae), Labcorp).

NM_000548.5(TSC2):c.4813C>T (p.Gln1605Ter)

Gene: TSC2 (TSC complex subunit 2; plus strand). Cytogenetic location: 16p13.3.
Variant type: single nucleotide variant.
Coding change: c.4813C>T on transcript NM_000548.5 (MANE Select); coding-DNA position 4813, C replaced by T.
Protein change: p.Gln1605Ter; replaces glutamine 1605 with a stop codon.
Molecular consequence: nonsense.
Genome position (GRCh38, 1-based): chr16:2,086,343, C>T. VCF-style: chr16-2086343-C-T. GRCh37 (hg19) VCF-style: chr16-2136344-C-T.
Other names: p.Gln1605*; c.4612C>T, p.Gln1538Ter (NM_001077183.3); c.4744C>T, p.Gln1582Ter (NM_001114382.3); c.4504C>T, p.Gln1502Ter (NM_001318827.2); c.4468C>T, p.Gln1490Ter (NM_001318829.2); c.4081C>T, p.Gln1361Ter (NM_001318831.2); c.4645C>T, p.Gln1549Ter (NM_001318832.2); c.4615C>T, p.Gln1539Ter (NM_001363528.2); and 2 more; short protein forms Q1605*, Q1361*, Q1502*, Q1538*, Q1549*, Q1562*, Q1582*, Q1561*.
Identifiers: ClinVar variation 64857 (VCV000064857.12), dbSNP rs397514888, ClinGen allele CA021019.